The following is an entry in ClinVar:

NM_001009944.3(PKD1):c.9077G>C (p.Arg3026Pro)

Gene: PKD1 (polycystin 1, transient receptor potential channel interacting; minus strand). Cytogenetic location: 16p13.3.
Variant type: single nucleotide variant.
Coding change: c.9077G>C on transcript NM_001009944.3 (MANE Select); coding-DNA position 9077, G replaced by C.
Protein change: p.Arg3026Pro; replaces arginine 3026 with proline.
Molecular consequence: missense variant.
Genome position (GRCh38, 1-based): chr16:2,102,505, C>G on the plus strand (G>C on the coding strand, the complement: PKD1 is on the minus strand). VCF-style: chr16-2102505-C-G. GRCh37 (hg19) VCF-style: chr16-2152506-C-G.
Other names: c.9077G>C, p.Arg3026Pro (NM_000296.4); short protein forms R3026P.
Identifiers: ClinVar variation 636738 (VCV000636738.3), dbSNP rs576970336, ClinGen allele CA394359395.

ClinVar aggregate classification (germline): Uncertain significance. Review status: criteria provided, multiple submitters, no conflicts (2 of 4 stars). 2 submissions from 2 submitters: Uncertain significance (2). Last evaluated 2025-08-21.

Conditions:
Polycystic kidney disease, adult type (PKD1). Also called: POLYCYSTIC KIDNEY DISEASE, ADULT, TYPE I; Polycystic Kidney, Autosomal Dominant; Polycystic Kidney Disease 1, Autosomal Dominant; Polycystic kidney disease 1; Polycystic kidney disease 1, severe; POLYCYSTIC KIDNEY DISEASE 1 WITH OR WITHOUT POLYCYSTIC LIVER DISEASE. Identifiers: MedGen C3149841, MONDO:0008263, OMIM 173900.

Submissions (2):

3billion
Classification: Uncertain significance for Polycystic kidney disease, adult type. Last evaluated: 2025-08-21. Review status: criteria provided, single submitter. Criteria: ACMG Guidelines, 2015. Collection method: clinical testing. Allele origin: germline. Affected: yes.
Comment: The variant is not observed in the gnomAD v4.1.0 dataset. Predicted Consequence/Location: Missense variant Damaging effect on gene or gene product predicted by in silico programs is uncertain [REVEL: 0.33 (damaging >=0.6, benign <0.4), 3Cnet: 0.20 (damaging >0.75, benign <0.1)]. The variant has been reported as of uncertain significance (ClinVar ID: VCV000636738). Different missense changes at the same codon have been reported as of uncertain significance (ClinVar ID: VCV002581846, VCV002582707). Therefore, this variant is classified as VUS according to the recommendation of ACMG/AMP guideline.

Blueprint Genetics
Classification: Uncertain significance. Last evaluated: 2022-11-30. Review status: criteria provided, single submitter. Criteria: ACMG Guidelines, 2015. Collection method: clinical testing. Allele origin: germline.